The following is an entry in ClinVar:

NM_144997.7(FLCN):c.334C>T (p.Pro112Ser)

Gene: FLCN (folliculin; minus strand). Cytogenetic location: 17p11.2.
Variant type: single nucleotide variant.
Coding change: c.334C>T on transcript NM_144997.7 (MANE Select); coding-DNA position 334, C replaced by T.
Protein change: p.Pro112Ser; replaces proline 112 with serine.
Molecular consequence: missense variant.
Genome position (GRCh38, 1-based): chr17:17,226,238, G>A on the plus strand (C>T on the coding strand, the complement: FLCN is on the minus strand). VCF-style: chr17-17226238-G-A. GRCh37 (hg19) VCF-style: chr17-17129552-G-A.
Other names: c.334C>T, p.Pro112Ser (NM_001353229.2, NM_001353230.2, NM_001353231.2 and 1 more transcripts); short protein forms P112S.
Identifiers: ClinVar variation 2888097 (VCV002888097.3), dbSNP rs2047244344, ClinGen allele CA398534811.

ClinVar aggregate classification (germline): Uncertain significance (1 of 4 stars; one submission).

Conditions:
Birt-Hogg-Dube syndrome. Also called: Birt Hogg Dubé syndrome. Identifiers: Orphanet 122, MedGen C0346010, MONDO:0800444.

Allele frequency attached by ClinVar (database versions not stated): TOPMed below 0.00001; gnomAD 0.00001.
gnomAD v4.1: 2 of 1,614,048 alleles (0.00012%); highest among the groups gnomAD compares: African/African-American, 0.0027%; no homozygotes.

Submission:

Labcorp Genetics (formerly Invitae), Labcorp
Classification: Uncertain significance for Birt-Hogg-Dube syndrome. Last evaluated: 2024-02-02. Review status: criteria provided, single submitter. Criteria: Invitae Variant Classification Sherloc (09022015). Collection method: clinical testing. Allele origin: germline.
Comment: This sequence change replaces proline, which is neutral and non-polar, with serine, which is neutral and polar, at codon 112 of the FLCN protein (p.Pro112Ser). This variant is not present in population databases (gnomAD no frequency). This variant has not been reported in the literature in individuals affected with FLCN-related conditions. Advanced modeling of protein sequence and biophysical properties (such as structural, functional, and spatial information, amino acid conservation, physicochemical variation, residue mobility, and thermodynamic stability) performed at Invitae indicates that this missense variant is not expected to disrupt FLCN protein function with a negative predictive value of 80%. In summary, the available evidence is currently insufficient to determine the role of this variant in disease. Therefore, it has been classified as a Variant of Uncertain Significance.